The following is an entry in ClinVar:

NM_032634.4(PIGO):c.540T>A (p.Asp180Glu)

Gene: PIGO (phosphatidylinositol glycan anchor biosynthesis class O; minus strand). Cytogenetic location: 9p13.3.
Variant type: single nucleotide variant.
Coding change: c.540T>A on transcript NM_032634.4 (MANE Select); coding-DNA position 540, T replaced by A.
Protein change: p.Asp180Glu; replaces aspartic acid 180 with glutamic acid.
Molecular consequence: missense variant.
Genome position (GRCh38, 1-based): chr9:35,094,331, A>T on the plus strand (T>A on the coding strand, the complement: PIGO is on the minus strand). VCF-style: chr9-35094331-A-T. GRCh37 (hg19) VCF-style: chr9-35094328-A-T.
Other names: c.540T>A, p.Asp180Glu (NM_001201484.2, NM_152850.4); short protein forms D180E.
Identifiers: ClinVar variation 1462147 (VCV001462147.8), dbSNP rs776571289, ClinGen allele CA373324063.
Genomic context (GRCh38, chr9:35,094,331, plus strand): 5'-ATTGAAGGATGGGAAGAAGAAAGCTTTGGAGAAAGCACCAGGGAAAAGGTCTTTCCAGGT[A>T]TCATCTCCCATGAAGACTACACGCCTTCCTGCAGGGACATGAAAGAGAAGTCAGAGCCTG-3'
Protein context (NP_116023.2, residues 170-190): AGRRVVFMGD[Asp180Glu]TWKDLFPGAF

ClinVar aggregate classification (germline): Uncertain significance (1 of 4 stars; one submission).

Conditions:
Hyperphosphatasia with impaired intellectual development syndrome 2. Also called: Hyperphosphatasia with intellectual disability syndrome 2; GLYCOSYLPHOSPHATIDYLINOSITOL BIOSYNTHESIS DEFECT 6. Identifiers: Orphanet 247262, MedGen C3553637, MONDO:0013882, OMIM 614749.

Submission:

Labcorp Genetics (formerly Invitae), Labcorp
Classification: Uncertain significance for Hyperphosphatasia with impaired intellectual development syndrome 2. Last evaluated: 2021-07-26. Review status: criteria provided, single submitter. Criteria: Invitae Variant Classification Sherloc (09022015). Collection method: clinical testing. Allele origin: germline.
Comment: This sequence change replaces aspartic acid with glutamic acid at codon 180 of the PIGO protein (p.Asp180Glu). The aspartic acid residue is highly conserved and there is a small physicochemical difference between aspartic acid and glutamic acid. In summary, the available evidence is currently insufficient to determine the role of this variant in disease. Therefore, it has been classified as a Variant of Uncertain Significance. Algorithms developed to predict the effect of missense changes on protein structure and function output the following: SIFT: "Tolerated"; PolyPhen-2: "Benign"; Align-GVGD: "Class C0". The glutamic acid amino acid residue is found in multiple mammalian species, which suggests that this missense change does not adversely affect protein function. This variant has not been reported in the literature in individuals affected with PIGO-related conditions. This variant is not present in population databases (ExAC no frequency).